The following is an entry in ClinVar:

ClinVar aggregate classification (germline): Uncertain significance (1 of 4 stars; one submission).

Conditions:
Familial cancer of breast. Also called: Hereditary breast cancer; BREAST CANCER, FAMILIAL; hereditary breast carcinoma. Identifiers: Orphanet 227535, MedGen C0346153, MONDO:0016419, OMIM 114480. Disease mechanism: loss of function.
Fanconi anemia complementation group J. Also called: BRIP1-Related Fanconi Anemia. Identifiers: Orphanet 84, MedGen C1836860, MONDO:0012187, OMIM 609054.

Submission:

Labcorp Genetics (formerly Invitae), Labcorp
Classification: Uncertain significance for Familial cancer of breast; Fanconi anemia complementation group J. Last evaluated: 2025-10-01. Review status: criteria provided, single submitter. Criteria: Invitae Variant Classification Sherloc (09022015). Collection method: clinical testing. Allele origin: germline.
Comment: This sequence change replaces glutamic acid, which is acidic and polar, with aspartic acid, which is acidic and polar, at codon 1126 of the BRIP1 protein (p.Glu1126Asp). This variant is not present in population databases (gnomAD no frequency). This missense change has been observed in individual(s) with colon cancer (PMID: 27978560). ClinVar contains an entry for this variant (Variation ID: 1477741). Invitae Evidence Modeling of protein sequence and biophysical properties (such as structural, functional, and spatial information, amino acid conservation, physicochemical variation, residue mobility, and thermodynamic stability) indicates that this missense variant is not expected to disrupt BRIP1 protein function with a negative predictive value of 95%. In summary, the available evidence is currently insufficient to determine the role of this variant in disease. Therefore, it has been classified as a Variant of Uncertain Significance.

Literature cited by the submitters: PubMed 27978560.

NM_032043.3(BRIP1):c.3378A>T (p.Glu1126Asp)

Gene: BRIP1 (BRCA1 interacting DNA helicase 1; minus strand). Cytogenetic location: 17q23.2.
Variant type: single nucleotide variant.
Coding change: c.3378A>T on transcript NM_032043.3 (MANE Select); coding-DNA position 3378, A replaced by T.
Protein change: p.Glu1126Asp; replaces glutamic acid 1126 with aspartic acid.
Molecular consequence: missense variant.
Genome position (GRCh38, 1-based): chr17:61,683,668, T>A on the plus strand (A>T on the coding strand, the complement: BRIP1 is on the minus strand). VCF-style: chr17-61683668-T-A. GRCh37 (hg19) VCF-style: chr17-59761029-T-A.
Other names: short protein forms E1126D.
Identifiers: ClinVar variation 1477741 (VCV001477741.7), dbSNP rs145855459, ClinGen allele CA400478859.